The following is an entry in ClinVar:

ClinVar aggregate classification (germline): Likely benign. Review status: criteria provided, single submitter (1 of 4 stars). 2 submissions from 2 submitters: Likely benign (1). 1 of the submissions does not count toward it. Last evaluated 2025-12-20.

Conditions:
HPSE2-related disorder. Also called: HPSE2-related condition.

Allele frequency attached by ClinVar (database versions not stated): 1000 Genomes Project 30x 0.00109; 1000 Genomes Project 0.00120; TOPMed 0.00253; gnomAD 0.00271 and 0.00274; gnomAD exomes 0.00305 and 0.00471; ESP Exome Variant Server 0.00308; ExAC 0.00322.
gnomAD v4.1: 7,241 of 1,613,748 alleles (0.45%); highest among the groups gnomAD compares: Non-Finnish European, 0.55%; 31 homozygotes.

Submissions (2):

Labcorp Genetics (formerly Invitae), Labcorp
Classification: Likely benign. Last evaluated: 2025-12-20. Review status: criteria provided, single submitter. Criteria: Invitae Variant Classification Sherloc (09022015). Collection method: clinical testing. Allele origin: germline.

PreventionGenetics, part of Exact Sciences
Classification: Likely benign for HPSE2-related condition. Last evaluated: 2020-08-10. Review status: no assertion criteria provided. Collection method: clinical testing. Allele origin: germline. Not counted in ClinVar's aggregate classification.
Comment: This variant is classified as likely benign based on ACMG/AMP sequence variant interpretation guidelines (Richards et al. 2015 PMID: 25741868, with internal and published modifications).

NM_021828.5(HPSE2):c.895G>A (p.Ala299Thr)

Gene: HPSE2 (heparanase 2 (inactive); minus strand). Cytogenetic location: 10q24.2.
Variant type: single nucleotide variant.
Coding change: c.895G>A on transcript NM_021828.5 (MANE Select); coding-DNA position 895, G replaced by A.
Protein change: p.Ala299Thr; replaces alanine 299 with threonine.
Molecular consequence: missense variant.
Genome position (GRCh38, 1-based): chr10:98,721,718, C>T on the plus strand (G>A on the coding strand, the complement: HPSE2 is on the minus strand). VCF-style: chr10-98721718-C-T. GRCh37 (hg19) VCF-style: chr10-100481475-C-T.
Other names: c.721G>A, p.Ala241Thr (NM_001166244.1); c.559G>A, p.Ala187Thr (NM_001166245.1); c.895G>A, p.Ala299Thr (NM_001166246.1); short protein forms A241T, A299T, A187T.
Identifiers: ClinVar variation 779261 (VCV000779261.12), dbSNP rs142102360, ClinGen allele CA5639883.